The following is an entry in ClinVar:

ClinVar aggregate classification (germline): Uncertain significance (1 of 4 stars; one submission).

Conditions:
Vici syndrome (VICIS). Identifiers: Orphanet 1493, MedGen C1855772, MONDO:0009452, OMIM 242840.

Allele frequency attached by ClinVar (database versions not stated): gnomAD exomes below 0.00001; gnomAD 0.00001.
gnomAD v4.1: 3 of 1,613,814 alleles (0.00019%); highest among the groups gnomAD compares: African/African-American, 0.0013%; no homozygotes.

Submission:

Labcorp Genetics (formerly Invitae), Labcorp
Classification: Uncertain significance for Vici syndrome. Last evaluated: 2022-03-15. Review status: criteria provided, single submitter. Criteria: Invitae Variant Classification Sherloc (09022015). Collection method: clinical testing. Allele origin: germline.
Comment: This sequence change replaces histidine, which is basic and polar, with arginine, which is basic and polar, at codon 657 of the EPG5 protein (p.His657Arg). This variant is not present in population databases (gnomAD no frequency). This variant has not been reported in the literature in individuals affected with EPG5-related conditions. Algorithms developed to predict the effect of missense changes on protein structure and function are either unavailable or do not agree on the potential impact of this missense change (SIFT: "Deleterious"; PolyPhen-2: "Probably Damaging"; Align-GVGD: "Class C0"). In summary, the available evidence is currently insufficient to determine the role of this variant in disease. Therefore, it has been classified as a Variant of Uncertain Significance.

NM_020964.3(EPG5):c.1970A>G (p.His657Arg)

Gene: EPG5 (ectopic P-granules 5 autophagy tethering factor; minus strand). Cytogenetic location: 18q21.1.
Variant type: single nucleotide variant.
Coding change: c.1970A>G on transcript NM_020964.3 (MANE Select); coding-DNA position 1970, A replaced by G.
Protein change: p.His657Arg; replaces histidine 657 with arginine.
Molecular consequence: missense variant.
Genome position (GRCh38, 1-based): chr18:45,939,729, T>C on the plus strand (A>G on the coding strand, the complement: EPG5 is on the minus strand). VCF-style: chr18-45939729-T-C. GRCh37 (hg19) VCF-style: chr18-43519695-T-C.
Other names: c.1970A>G, p.His657Arg (NM_001410858.1, NM_001410859.1); short protein forms H657R.
Identifiers: ClinVar variation 1964300 (VCV001964300.2), dbSNP rs1876122568, ClinGen allele CA402348156.